The following is an entry in ClinVar:

ClinVar aggregate classification (germline): Uncertain significance (1 of 4 stars; one submission).

Conditions:
Progressive myoclonic epilepsy type 7. Identifiers: Orphanet 435438, MedGen C4015420, MONDO:0014521, OMIM 616187.

Submission:

Labcorp Genetics (formerly Invitae), Labcorp
Classification: Uncertain significance for Progressive myoclonic epilepsy type 7. Last evaluated: 2024-05-17. Review status: criteria provided, single submitter. Criteria: Invitae Variant Classification Sherloc (09022015). Collection method: clinical testing. Allele origin: germline.
Comment: This sequence change replaces arginine, which is basic and polar, with cysteine, which is neutral and slightly polar, at codon 154 of the KCNC1 protein (p.Arg154Cys). This variant is not present in population databases (gnomAD no frequency). This variant has not been reported in the literature in individuals affected with KCNC1-related conditions. An algorithm developed to predict the effect of missense changes on protein structure and function (PolyPhen-2) suggests that this variant is likely to be disruptive. In summary, the available evidence is currently insufficient to determine the role of this variant in disease. Therefore, it has been classified as a Variant of Uncertain Significance.

NM_001112741.2(KCNC1):c.460C>T (p.Arg154Cys)

Gene: KCNC1 (potassium voltage-gated channel subfamily C member 1; plus strand). Cytogenetic location: 11p15.1.
Variant type: single nucleotide variant.
Coding change: c.460C>T on transcript NM_001112741.2 (MANE Select); coding-DNA position 460, C replaced by T.
Protein change: p.Arg154Cys; replaces arginine 154 with cysteine.
Molecular consequence: missense variant.
Genome position (GRCh38, 1-based): chr11:17,736,462, C>T. VCF-style: chr11-17736462-C-T. GRCh37 (hg19) VCF-style: chr11-17758009-C-T.
Other names: c.460C>T, p.Arg154Cys (NM_004976.4); short protein forms R154C.
Identifiers: ClinVar variation 3668307 (VCV003668307.2).